The following is an entry in ClinVar:

ClinVar aggregate classification (germline): Uncertain significance (1 of 4 stars; one submission).

Submission:

Labcorp Genetics (formerly Invitae), Labcorp
Classification: Uncertain significance. Last evaluated: 2020-02-22. Review status: criteria provided, single submitter. Criteria: Invitae Variant Classification Sherloc (09022015). Collection method: clinical testing. Allele origin: germline.
Comment: This sequence change replaces arginine with lysine at codon 1765 of the KIAA1549 protein (p.Arg1765Lys). The arginine residue is highly conserved and there is a small physicochemical difference between arginine and lysine. This variant also falls at the last nucleotide of exon 17 of the KIAA1549 coding sequence, which is part of the consensus splice site for this exon. This variant is not present in population databases (ExAC no frequency). This variant has not been reported in the literature in individuals with KIAA1549-related conditions. Algorithms developed to predict the effect of missense changes on protein structure and function are either unavailable or do not agree on the potential impact of this missense change (SIFT: "Deleterious"; PolyPhen-2: "Benign"; Align-GVGD: "Class C0"). Nucleotide substitutions within the consensus splice site are a relatively common cause of aberrant splicing (PMID: 17576681, 9536098). Algorithms developed to predict the effect of sequence changes on RNA splicing suggest that this variant may disrupt the consensus splice site, but this prediction has not been confirmed by published transcriptional studies. In summary, the available evidence is currently insufficient to determine the role of this variant in disease. Therefore, it has been classified as a Variant of Uncertain Significance.

Literature cited by the submitters: PubMed 17576681; PubMed 9536098.

NM_001164665.2(KIAA1549):c.5294G>A (p.Arg1765Lys)

Gene: KIAA1549 (KIAA1549; minus strand). Cytogenetic location: 7q34.
Variant type: single nucleotide variant.
Coding change: c.5294G>A on transcript NM_001164665.2 (MANE Select); coding-DNA position 5294, G replaced by A.
Protein change: p.Arg1765Lys; replaces arginine 1765 with lysine.
Molecular consequence: missense variant.
Genome position (GRCh38, 1-based): chr7:138,852,223, C>T on the plus strand (G>A on the coding strand, the complement: KIAA1549 is on the minus strand). VCF-style: chr7-138852223-C-T. GRCh37 (hg19) VCF-style: chr7-138536969-C-T.
Other names: c.5294G>A, p.Arg1765Lys (NM_020910.3); short protein forms R1765K.
Identifiers: ClinVar variation 1023091 (VCV001023091.8), dbSNP rs1398615498, ClinGen allele CA369391370.